The following is an entry in ClinVar:

ClinVar aggregate classification (germline): Uncertain significance (1 of 4 stars; one submission).

Conditions:
Primary ciliary dyskinesia. Also called: Ciliary dyskinesia. Identifiers: Orphanet 244, MedGen C0008780, MONDO:0016575, HP:0012265.

Submission:

Labcorp Genetics (formerly Invitae), Labcorp
Classification: Uncertain significance for Primary ciliary dyskinesia. Last evaluated: 2024-12-02. Review status: criteria provided, single submitter. Criteria: Invitae Variant Classification Sherloc (09022015). Collection method: clinical testing. Allele origin: germline.
Comment: This sequence change replaces serine, which is neutral and polar, with proline, which is neutral and non-polar, at codon 1209 of the DNAH8 protein (p.Ser1209Pro). This variant is not present in population databases (gnomAD no frequency). This variant has not been reported in the literature in individuals affected with DNAH8-related conditions. ClinVar contains an entry for this variant (Variation ID: 1716689). Invitae Evidence Modeling of protein sequence and biophysical properties (such as structural, functional, and spatial information, amino acid conservation, physicochemical variation, residue mobility, and thermodynamic stability) indicates that this missense variant is expected to disrupt DNAH8 protein function with a positive predictive value of 80%. In summary, the available evidence is currently insufficient to determine the role of this variant in disease. Therefore, it has been classified as a Variant of Uncertain Significance.

NM_001206927.2(DNAH8):c.3625T>C (p.Ser1209Pro)

Gene: DNAH8 (dynein axonemal heavy chain 8; plus strand). Cytogenetic location: 6p21.2.
Variant type: single nucleotide variant.
Coding change: c.3625T>C on transcript NM_001206927.2 (MANE Select); coding-DNA position 3625, T replaced by C.
Protein change: p.Ser1209Pro; replaces serine 1209 with proline.
Molecular consequence: missense variant.
Genome position (GRCh38, 1-based): chr6:38,822,939, T>C. VCF-style: chr6-38822939-T-C. GRCh37 (hg19) VCF-style: chr6-38790715-T-C.
Other names: c.2974T>C, p.Ser992Pro (NM_001371.4); short protein forms S1209P, S992P.
Identifiers: ClinVar variation 1716689 (VCV001716689.6), dbSNP rs2532636016, ClinGen allele CA363992193.